The following is an entry in ClinVar:

ClinVar aggregate classification (germline): Uncertain significance. Review status: criteria provided, multiple submitters, no conflicts (2 of 4 stars). 2 submissions from 2 submitters: Uncertain significance (2). Last evaluated 2025-12-02.

Conditions:
Inborn genetic diseases. Identifiers: MedGen C0950123, MeSH D030342.

gnomAD v4.1: 28 of 1,523,202 alleles (0.0018%); highest among the groups gnomAD compares: Middle Eastern, 0.066%; no homozygotes.

Submissions (2):

Ambry Genetics
Classification: Uncertain significance for Inborn genetic diseases. Last evaluated: 2025-12-02. Review status: criteria provided, single submitter. Criteria: Ambry Variant Classification Scheme 2023. Collection method: clinical testing. Allele origin: germline.

Labcorp Genetics (formerly Invitae), Labcorp
Classification: Uncertain significance. Last evaluated: 2024-02-20. Review status: criteria provided, single submitter. Criteria: Invitae Variant Classification Sherloc (09022015). Collection method: clinical testing. Allele origin: germline.
Comment: This sequence change replaces proline, which is neutral and non-polar, with leucine, which is neutral and non-polar, at codon 71 of the BLOC1S3 protein (p.Pro71Leu). The frequency data for this variant in the population databases is considered unreliable, as metrics indicate poor data quality at this position in the gnomAD database. This variant has not been reported in the literature in individuals affected with BLOC1S3-related conditions. An algorithm developed to predict the effect of missense changes on protein structure and function (PolyPhen-2) suggests that this variant is likely to be disruptive. In summary, the available evidence is currently insufficient to determine the role of this variant in disease. Therefore, it has been classified as a Variant of Uncertain Significance.

NM_212550.5(BLOC1S3):c.212C>T (p.Pro71Leu)

Gene: BLOC1S3 (biogenesis of lysosomal organelles complex 1 subunit 3; plus strand). Cytogenetic location: 19q13.32.
Variant type: single nucleotide variant.
Coding change: c.212C>T on transcript NM_212550.5 (MANE Select); coding-DNA position 212, C replaced by T.
Protein change: p.Pro71Leu; replaces proline 71 with leucine.
Molecular consequence: missense variant.
Genome position (GRCh38, 1-based): chr19:45,179,508, C>T. VCF-style: chr19-45179508-C-T. GRCh37 (hg19) VCF-style: chr19-45682766-C-T.
Other names: c.212C>T (NM_212550.3); short protein forms P71L.
Identifiers: ClinVar variation 3656143 (VCV003656143.3).
Genomic context (GRCh38, chr19:45,179,508, plus strand): 5'-CCACGGGGCTGCGGGTGGCTGGGGAAGCCGCGGAGACCGACTCGGAGCCGGAGCCGGAGC[C>T]GGAACCGACGGCCGCGCCGAGGGACCTGCCTCCACTCGTGGTGCAGCGGGAATCGGCGGA-3'
Protein context (NP_997715.1, residues 61-81): AETDSEPEPE[Pro71Leu]EPTAAPRDLP